The following is an entry in ClinVar:

NM_001164508.2(NEB):c.1856A>G (p.Lys619Arg)

Gene: NEB (nebulin; minus strand). Cytogenetic location: 2q23.3.
Variant type: single nucleotide variant.
Coding change: c.1856A>G on transcript NM_001164508.2 (MANE Select); coding-DNA position 1856, A replaced by G.
Protein change: p.Lys619Arg; replaces lysine 619 with arginine.
Molecular consequence: missense variant.
Genome position (GRCh38, 1-based): chr2:151,694,363, T>C on the plus strand (A>G on the coding strand, the complement: NEB is on the minus strand). VCF-style: chr2-151694363-T-C. GRCh37 (hg19) VCF-style: chr2-152550877-T-C.
Other names: c.1856A>G, p.Lys619Arg (NM_001164507.2, NM_001271208.2, NM_004543.5); short protein forms K619R.
Identifiers: ClinVar variation 257773 (VCV000257773.26), dbSNP rs147305883, ClinGen allele CA1911425.

ClinVar aggregate classification (germline): Benign/Likely benign. Review status: criteria provided, multiple submitters, no conflicts (2 of 4 stars). 7 submissions from 7 submitters: Benign (3); Likely benign (3). 1 of the submissions does not count toward it. Last evaluated 2026-01-31.

Conditions:
Nemaline myopathy 2 (NEM2). Also called: Nemaline myopathy 2, autosomal recessive. Identifiers: MedGen C1850569, MONDO:0009725, OMIM 256030.

Allele frequency attached by ClinVar (database versions not stated): ExAC 0.00109; 1000 Genomes Project 0.00339; 1000 Genomes Project 30x 0.00375; gnomAD 0.00401 and 0.00426; TOPMed 0.00426; ESP Exome Variant Server 0.00438; gnomAD exomes 0.00032 and 0.00090.

Submissions (7):

Labcorp Genetics (formerly Invitae), Labcorp
Classification: Benign for Nemaline myopathy 2. Last evaluated: 2026-01-31. Review status: criteria provided, single submitter. Criteria: Invitae Variant Classification Sherloc (09022015). Collection method: clinical testing. Allele origin: germline.

CeGaT Center for Human Genetics Tuebingen
Classification: Likely benign. Last evaluated: 2025-11-01. Review status: criteria provided, single submitter. Criteria: CeGaT Center For Human Genetics Tuebingen Variant Classification Criteria Version 2. Collection method: clinical testing. Allele origin: germline. Affected: yes. Observed: 1 variant allele.
Comment: NEB: BP4, BS1

Blueprint Genetics
Classification: Likely benign. Last evaluated: 2024-11-26. Review status: criteria provided, single submitter. Criteria: ACMG Guidelines, 2015. Collection method: clinical testing. Allele origin: germline.

GeneDx
Classification: Benign. Last evaluated: 2021-03-02. Review status: criteria provided, single submitter. Criteria: GeneDx Variant Classification Process June 2021. Collection method: clinical testing. Allele origin: germline. Affected: yes.

Illumina Laboratory Services, Illumina
Classification: Likely benign for Nemaline myopathy 2. Last evaluated: 2018-01-12. Review status: criteria provided, single submitter. Criteria: ICSL Variant Classification Criteria 13 December 2019. Collection method: clinical testing. Allele origin: germline.
Comment: This variant was observed in the ICSL laboratory as part of a predisposition screen in an ostensibly healthy population. It had not been previously curated by ICSL or reported in the Human Gene Mutation Database (HGMD: prior to June 1st, 2018), and was therefore a candidate for classification through an automated scoring system. Utilizing variant allele frequency, disease prevalence and penetrance estimates, and inheritance mode, an automated score was calculated to assess if this variant is too frequent to cause the disease. Based on the score and internal cut-off values, a variant classified as likely benign is not then subjected to further curation. The score for this variant resulted in a classification of likely benign for this disease.

PreventionGenetics, part of Exact Sciences
Classification: Benign. Review status: criteria provided, single submitter. Criteria: ACMG Guidelines, 2015. Collection method: clinical testing. Allele origin: germline.

Natera, Inc.
Classification: Benign for Nemaline myopathy type 2. Last evaluated: 2019-11-11. Review status: no assertion criteria provided. Collection method: clinical testing. Allele origin: germline. Not counted in ClinVar's aggregate classification.